The following is an entry in ClinVar:

ClinVar aggregate classification (germline): Conflicting classifications of pathogenicity. Review status: criteria provided, conflicting classifications (1 of 4 stars). 4 submissions from 4 submitters: Uncertain significance (1); Likely benign (3). Last evaluated 2025-12-29.

Conditions:
SNRNP200-related disorder. Also called: SNRNP200-related condition.

Allele frequency attached by ClinVar (database versions not stated): TOPMed 0.00003; ESP Exome Variant Server 0.00008; gnomAD 0.00001; gnomAD exomes 0.00001 and 0.00002; ExAC 0.00002.
gnomAD v4.1: 12 of 1,613,978 alleles (0.00074%); highest among the groups gnomAD compares: East Asian, 0.0067%; no homozygotes.

Submissions (4):

Labcorp Genetics (formerly Invitae), Labcorp
Classification: Likely benign. Last evaluated: 2025-12-29. Review status: criteria provided, single submitter. Criteria: Invitae Variant Classification Sherloc (09022015). Collection method: clinical testing. Allele origin: germline.

PreventionGenetics, part of Exact Sciences
Classification: Likely benign for SNRNP200-related condition. Last evaluated: 2025-01-18. Review status: criteria provided, single submitter. Criteria: ACMG Guidelines, 2015. Collection method: clinical testing. Allele origin: germline.
Comment: This variant is classified as likely benign based on ACMG/AMP sequence variant interpretation guidelines (Richards et al. 2015 PMID: 25741868, with internal and published modifications).

Blueprint Genetics
Classification: Likely benign. Last evaluated: 2024-01-23. Review status: criteria provided, single submitter. Criteria: ACMG Guidelines, 2015. Collection method: clinical testing. Allele origin: germline.

Eurofins Ntd Llc (ga)
Classification: Uncertain significance. Last evaluated: 2015-10-20. Review status: criteria provided, single submitter. Criteria: EGL Classification Definitions 2015. Collection method: clinical testing. Allele origin: germline. Observed: 1 variant allele, 1 heterozygote.

NM_014014.5(SNRNP200):c.3354C>T (p.Ile1118=)

Gene: SNRNP200 (small nuclear ribonucleoprotein U5 subunit 200; minus strand). Cytogenetic location: 2q11.2.
Variant type: single nucleotide variant.
Coding change: c.3354C>T on transcript NM_014014.5 (MANE Select); coding-DNA position 3354, C replaced by T.
Protein change: p.Ile1118=; no amino-acid change (isoleucine 1118 retained).
Molecular consequence: synonymous variant.
Genome position (GRCh38, 1-based): chr2:96,287,874, G>A on the plus strand (C>T on the coding strand, the complement: SNRNP200 is on the minus strand). VCF-style: chr2-96287874-G-A. GRCh37 (hg19) VCF-style: chr2-96953612-G-A.
Other names: c.3354C>T (NM_014014.4).
Identifiers: ClinVar variation 283800 (VCV000283800.14), dbSNP rs376352502, ClinGen allele CA1778483.